The following is an entry in ClinVar:

NM_001378120.1(MBD5):c.1961A>G (p.Asp654Gly)

Gene: MBD5 (methyl-CpG binding domain protein 5; plus strand). Cytogenetic location: 2q23.1.
Variant type: single nucleotide variant.
Coding change: c.1961A>G on transcript NM_001378120.1 (MANE Select); coding-DNA position 1961, A replaced by G.
Protein change: p.Asp654Gly; replaces aspartic acid 654 with glycine.
Molecular consequence: missense variant.
Genome position (GRCh38, 1-based): chr2:148,469,904, A>G. VCF-style: chr2-148469904-A-G. GRCh37 (hg19) VCF-style: chr2-149227473-A-G.
Other names: c.1961A>G, p.Asp654Gly (NM_018328.5); short protein forms D654G.
Identifiers: ClinVar variation 2871953 (VCV002871953.3), dbSNP rs115495710, ClinGen allele CA1900079.

ClinVar aggregate classification (germline): Uncertain significance (1 of 4 stars; one submission).

Conditions:
Intellectual developmental disorder, autosomal dominant 1. Also called: MBD5 Haploinsufficiency; Intellectual disability, autosomal dominant 1. Identifiers: Orphanet 228402, MedGen C1969562, MONDO:0007974, OMIM 156200.

Allele frequency attached by ClinVar (database versions not stated): 1000 Genomes Project 30x 0.00031.
gnomAD v4.1: 3 of 1,613,958 alleles (0.00019%); highest among the groups gnomAD compares: African/African-American, 0.004%; no homozygotes.

Submission:

Labcorp Genetics (formerly Invitae), Labcorp
Classification: Uncertain significance for Intellectual developmental disorder, autosomal dominant 1. Last evaluated: 2023-10-08. Review status: criteria provided, single submitter. Criteria: Invitae Variant Classification Sherloc (09022015). Collection method: clinical testing. Allele origin: germline.
Comment: This sequence change replaces aspartic acid, which is acidic and polar, with glycine, which is neutral and non-polar, at codon 654 of the MBD5 protein (p.Asp654Gly). This variant is present in population databases (rs115495710, gnomAD 0.007%). This variant has not been reported in the literature in individuals affected with MBD5-related conditions. Advanced modeling of protein sequence and biophysical properties (such as structural, functional, and spatial information, amino acid conservation, physicochemical variation, residue mobility, and thermodynamic stability) performed at Invitae indicates that this missense variant is not expected to disrupt MBD5 protein function. In summary, the available evidence is currently insufficient to determine the role of this variant in disease. Therefore, it has been classified as a Variant of Uncertain Significance.